The following is an entry in ClinVar:

NM_014319.5(LEMD3):c.906del (p.Gly303fs)

Gene: LEMD3 (LEM domain containing 3; plus strand). Cytogenetic location: 12q14.3.
Variant type: Deletion.
Coding change: c.906del on transcript NM_014319.5 (MANE Select); coding-DNA position 906, one base deleted (C; older notation c.906delC).
Protein change: p.Gly303fs; shifts the reading frame from glycine 303.
Molecular consequence: frameshift variant.
Genome position (GRCh38, 1-based): chr12:65,170,502, C deleted; the last of 2 consecutive C bases (chr12:65,170,501-65,170,502); deleting either gives the same sequence. VCF-style (leftmost placement, unchanged base first): chr12-65170500-GC-G. GRCh37 (hg19) VCF-style: chr12-65564280-GC-G.
Other names: c.906del, p.Gly303fs (NM_001167614.2); short protein forms G303fs.
Identifiers: ClinVar variation 1699129 (VCV001699129.4), dbSNP rs2136313188, ClinGen allele CA923726211.
Genomic context (GRCh38, chr12:65,170,500, plus strand): 5'-TCCCGGCATCGGCCCAGACGAACCCATAGTAAGCCTCTCCCCCCGCTGACTGCTAAATCG[GC>G]CGGCGGCAGGCTGGAGACTTCAGTTCAGGGAGGGGGAGGACTCGCGATGAATGACAGGGC-3'

ClinVar aggregate classification (germline): Pathogenic (1 of 4 stars; one submission).

Conditions:
Dermatofibrosis lenticularis disseminata (BOS). Also called: DERMATOFIBROSIS LENTICULARIS DISSEMINATA WITH OSTEOPOIKILOSIS; DERMATOOSTEOPOIKILOSIS; OSTEOPATHIA CONDENSANS DISSEMINATA. Identifiers: Orphanet 1306, MedGen C0265514, MONDO:0008157, OMIM 166700.

Submission:

Victorian Clinical Genetics Services, Murdoch Childrens Research Institute
Classification: Pathogenic for Dermatofibrosis lenticularis disseminata. Last evaluated: 2024-10-10. Review status: criteria provided, single submitter. Criteria: ACMG Guidelines, 2015. Collection method: clinical testing. Allele origin: germline. Inheritance: Autosomal dominant inheritance. Affected: yes.
Comment: Based on the classification scheme VCGS_Germline_v1.3.4, this variant is classified as Pathogenic. Following criteria are met: 0102 - Loss of function is a known mechanism of disease in this gene and is associated with Buschke-Ollendorff syndrome (MIM#166700) and Osteopoikilosis with or without melorheostosis (MIM#166700). (I) 0107 - This gene is associated with autosomal dominant disease. (I) 0115 - Variants in this gene are known to have variable expressivity (OMIM). (I) 0201 - Variant is predicted to cause nonsense-mediated decay (NMD) and loss of protein (premature termination codon is located at least 54 nucleotides upstream of the final exon-exon junction). (SP) 0251 - This variant is heterozygous. (I) 0301 - Variant is absent from gnomAD (v2, v3 and v4). (SP) 0701 - Other NMD-predicted variants comparable to the one identified in this case have very strong previous evidence for pathogenicity. Many NMD-predicted variants have been reported as pathogenic/likely pathogenic (ClinVar, PMID: 27382493; 17087626; 15489854). (SP) 0807 - This variant has no previous evidence of pathogenicity. (I) 0905 - No published segregation evidence has been identified for this variant. (I) 1007 - No published functional evidence has been identified for this variant. (I) Legend: (SP) - Supporting pathogenic, (I) - Information, (SB) - Supporting benign

Literature cited by the submitters: PubMed 15489854; PubMed 17087626; PubMed 27382493.